The following is an entry in ClinVar:

ClinVar aggregate classification (germline): Pathogenic. Review status: criteria provided, multiple submitters, no conflicts (2 of 4 stars). 2 submissions from 2 submitters: Pathogenic (2). Last evaluated 2022-07-27.

Conditions:
KBG syndrome (KBGS). Also called: ANKRD11-Related KBG Syndrome. Identifiers: Orphanet 2332, MedGen C0220687, MONDO:0007846, OMIM 148050.

Submissions (2):

Medical Genetics Unit, Azienda USL-IRCCS di Reggio Emilia
Classification: Pathogenic for KBG syndrome. Last evaluated: 2022-07-27. Review status: criteria provided, single submitter. Criteria: ACMG Guidelines, 2015. Collection method: clinical testing. Allele origin: de novo. Affected: yes. Observed: 1 variant allele.
Comment: ACMG/AMP: PVS1,PS2,PM2

Department of Clinical Genetics, Copenhagen University Hospital, Rigshospitalet
Classification: Pathogenic for KBG syndrome. Last evaluated: 2021-08-01. Review status: criteria provided, single submitter. Criteria: ACMG Guidelines, 2015. Collection method: clinical testing. Allele origin: de novo. Affected: yes.

NM_013275.6(ANKRD11):c.7470+1G>C

Gene: ANKRD11 (ankyrin repeat domain 11; minus strand). Cytogenetic location: 16q24.3.
Variant type: single nucleotide variant.
Coding change: c.7470+1G>C on transcript NM_013275.6 (MANE Select); the canonical splice donor site of the intron after coding-DNA position 7470, G replaced by C.
Molecular consequence: splice donor variant.
Genome position (GRCh38, 1-based): chr16:89,279,071, C>G on the plus strand (G>C on the coding strand, the complement: ANKRD11 is on the minus strand). VCF-style: chr16-89279071-C-G. GRCh37 (hg19) VCF-style: chr16-89345479-C-G.
Other names: c.7470+1G>C (NM_001256183.2, NM_001256182.2).
Identifiers: ClinVar variation 1679412 (VCV001679412.25), dbSNP rs2151728882, ClinGen allele CA397148275.